The following is an entry in ClinVar:

NM_023110.3(FGFR1):c.663G>T (p.Val221=)

Gene: FGFR1 (fibroblast growth factor receptor 1; minus strand). Cytogenetic location: 8p11.23.
Variant type: single nucleotide variant.
Coding change: c.663G>T on transcript NM_023110.3 (MANE Select); coding-DNA position 663, G replaced by T.
Protein change: p.Val221=; no amino-acid change (valine 221 retained).
Molecular consequence: synonymous variant.
Genome position (GRCh38, 1-based): chr8:38,426,204, C>A on the plus strand (G>T on the coding strand, the complement: FGFR1 is on the minus strand). VCF-style: chr8-38426204-C-A. GRCh37 (hg19) VCF-style: chr8-38283722-C-A.
Other names: c.663G>T, p.Val221= (NM_001174063.2); c.639G>T, p.Val213= (NM_001174064.2); c.657G>T, p.Val219= (NM_001174065.2, NM_001354367.2, NM_001354369.2 and 1 more transcripts); c.396G>T, p.Val132= (NM_001174066.2, NM_023105.3); c.756G>T, p.Val252= (NM_001174067.2); c.390G>T, p.Val130= (NM_001354368.2, NM_001354370.2, NM_023106.3).
Identifiers: ClinVar variation 362900 (VCV000362900.12), dbSNP rs766451294, ClinGen allele CA4718673.

ClinVar aggregate classification (germline): Conflicting classifications of pathogenicity. Review status: criteria provided, conflicting classifications (1 of 4 stars). 5 submissions from 2 submitters: Uncertain significance (2); Likely benign (3). Last evaluated 2022-07-12.

Conditions:
Hypogonadotropic hypogonadism 2 with or without anosmia (HH2). Also called: HYPOGONADOTROPIC HYPOGONADISM 2 WITH OR WITHOUT ANOSMIA, SUSCEPTIBILITY TO; HYPOGONADOTROPIC HYPOGONADISM 2 WITHOUT ANOSMIA, SUSCEPTIBILITY TO; FGFR1-Related GnRH Deficiency (Kallmann Syndrome 2); HYPOGONADOTROPIC HYPOGONADISM 2 WITHOUT ANOSMIA. Identifiers: Orphanet 478, MedGen C1563720, MONDO:0007844, OMIM 147950. Disease mechanism: loss of function.
Pfeiffer syndrome (ACS5). Also called: ACS V. Identifiers: Orphanet 710, MedGen C0220658, MONDO:0007043, OMIM 101600.
Trigonocephaly 1 (TRIGNO1). Identifiers: Orphanet 3366, MedGen C0432122, MONDO:0008603, OMIM 190440.
Craniosynostosis syndrome. Also called: Craniosynostosis. Identifiers: Orphanet 1531, MedGen C0010278, MeSH D003398, MONDO:0015469, HP:0001363.
Osteoglophonic dysplasia (OGD). Also called: Osteoglophonic dwarfism. Identifiers: Orphanet 2645, MedGen C0432283, MONDO:0008150, OMIM 166250.

Allele frequency attached by ClinVar (database versions not stated): gnomAD 0.00001; TOPMed 0.00001; gnomAD exomes 0.00002; ExAC 0.00004.
gnomAD v4.1: 19 of 1,614,060 alleles (0.0012%); highest among the groups gnomAD compares: Non-Finnish European, 0.0014%; no homozygotes.

Submissions (5):

Labcorp Genetics (formerly Invitae), Labcorp
Classification: Likely benign for Pfeiffer syndrome; Hypogonadotropic hypogonadism 2 with or without anosmia. Last evaluated: 2022-07-12. Review status: criteria provided, single submitter. Criteria: Invitae Variant Classification Sherloc (09022015). Collection method: clinical testing. Allele origin: germline.

Illumina Laboratory Services, Illumina
Classification: Uncertain significance for Craniosynostosis. Last evaluated: 2018-01-12. Review status: criteria provided, single submitter. Criteria: ICSL Variant Classification Criteria 13 December 2019. Collection method: clinical testing. Allele origin: germline.

Illumina Laboratory Services, Illumina
Classification: Likely benign for Osteoglophonic dysplasia. Last evaluated: 2018-01-12. Review status: criteria provided, single submitter. Criteria: ICSL Variant Classification Criteria 13 December 2019. Collection method: clinical testing. Allele origin: germline.
Comment: This variant was observed in the ICSL laboratory as part of a predisposition screen in an ostensibly healthy population. It had not been previously curated by ICSL or reported in the Human Gene Mutation Database (HGMD: prior to June 1st, 2018), and was therefore a candidate for classification through an automated scoring system. Utilizing variant allele frequency, disease prevalence and penetrance estimates, and inheritance mode, an automated score was calculated to assess if this variant is too frequent to cause the disease. Based on the score and internal cut-off values, a variant classified as likely benign is not then subjected to further curation. The score for this variant resulted in a classification of likely benign for this disease.

Illumina Laboratory Services, Illumina
Classification: Uncertain significance for Hypogonadotropic hypogonadism 2 with or without anosmia. Last evaluated: 2018-01-12. Review status: criteria provided, single submitter. Criteria: ICSL Variant Classification Criteria 13 December 2019. Collection method: clinical testing. Allele origin: germline.

Illumina Laboratory Services, Illumina
Classification: Likely benign for Trigonocephaly 1. Last evaluated: 2018-01-12. Review status: criteria provided, single submitter. Criteria: ICSL Variant Classification Criteria 13 December 2019. Collection method: clinical testing. Allele origin: germline.
Comment: the same text as in the submission from Illumina Laboratory Services, Illumina above.